The following is an entry in ClinVar:

ClinVar aggregate classification (germline): Uncertain significance. Review status: criteria provided, multiple submitters, no conflicts (2 of 4 stars). 2 submissions from 2 submitters: Uncertain significance (2). Last evaluated 2024-03-29.

Conditions:
Christianson syndrome (MRXSCH). Also called: X-linked mental retardation, syndromic, Christianson type; INTELLECTUAL DEVELOPMENTAL DISORDER, X-LINKED, SYNDROMIC, CHRISTIANSON TYPE; SLC9A6-Related Syndromic Mental Retardation. Identifiers: Orphanet 85278, MedGen C2678194, MONDO:0010278, OMIM 300243.

gnomAD v4.1: 5 of 1,149,345 alleles (0.00044%); highest among the groups gnomAD compares: Middle Eastern, 0.12%; no homozygotes.

Submissions (2):

Genomic Medicine Center of Excellence, King Faisal Specialist Hospital and Research Centre
Classification: Uncertain significance for Christianson syndrome. Last evaluated: 2024-03-29. Review status: criteria provided, single submitter. Criteria: ACMG Guidelines, 2015. Collection method: clinical testing. Allele origin: germline.

Labcorp Genetics (formerly Invitae), Labcorp
Classification: Uncertain significance for Christianson syndrome. Last evaluated: 2023-07-25. Review status: criteria provided, single submitter. Criteria: Invitae Variant Classification Sherloc (09022015). Collection method: clinical testing. Allele origin: germline.
Comment: This sequence change replaces proline, which is neutral and non-polar, with threonine, which is neutral and polar, at codon 411 of the SLC9A6 protein (p.Pro411Thr). This variant is not present in population databases (gnomAD no frequency). This variant has not been reported in the literature in individuals affected with SLC9A6-related conditions. Advanced modeling of protein sequence and biophysical properties (such as structural, functional, and spatial information, amino acid conservation, physicochemical variation, residue mobility, and thermodynamic stability) performed at Invitae indicates that this missense variant is not expected to disrupt SLC9A6 protein function. In summary, the available evidence is currently insufficient to determine the role of this variant in disease. Therefore, it has been classified as a Variant of Uncertain Significance.

NM_001379110.1(SLC9A6):c.1171C>A (p.Pro391Thr)

Gene: SLC9A6 (solute carrier family 9 member A6; plus strand). Cytogenetic location: Xq26.3.
Variant type: single nucleotide variant.
Coding change: c.1171C>A on transcript NM_001379110.1 (MANE Select); coding-DNA position 1171, C replaced by A.
Protein change: p.Pro391Thr; replaces proline 391 with threonine.
Molecular consequence: missense variant.
Genome position (GRCh38, 1-based): chrX:136,016,735, C>A. VCF-style: chrX-136016735-C-A. GRCh37 (hg19) VCF-style: chrX-135098894-C-A.
Other names: c.1327C>A, p.Pro443Thr (NM_001042537.2); c.1171C>A, p.Pro391Thr (NM_001177651.2, NM_001400909.1, NM_001400910.1 and 2 more transcripts); c.1075C>A, p.Pro359Thr (NM_001330652.2, NM_001400913.1); c.1231C>A, p.Pro411Thr (NM_006359.3); c.1327C>A (NM_001042537.1); short protein forms P443T, P359T, P391T, P411T.
Identifiers: ClinVar variation 2802710 (VCV002802710.4), dbSNP rs1162173194, ClinGen allele CA414753028.